The following is an entry in ClinVar:

ClinVar aggregate classification (germline): Likely pathogenic (1 of 4 stars; one submission).

Conditions:
Mucopolysaccharidosis, MPS-III-C (MPS3C). Also called: MUCOPOLYSACCHARIDOSIS, TYPE IIIC; Mucopolysaccharidosis type IIIC (Sanfilippo C); SANFILIPPO SYNDROME C; MPS III C; mucopolysaccharidosis type 3C; MPS IIIC (Sanfilippo Syndrome Type C). Identifiers: Orphanet 581, Orphanet 79271, MedGen C0086649, MONDO:0009657, OMIM 252930.

Submission:

Myriad Genetics, Inc.
Classification: Likely pathogenic for Mucopolysaccharidosis, MPS-III-C. Last evaluated: 2022-03-17. Review status: criteria provided, single submitter. Criteria: Myriad Women's Health Autosomal Recessive and X-Linked Classification Criteria (2021). Collection method: clinical testing. Allele origin: unknown.
Comment: NM_152419.2(HGSNAT):c.1058_1059insT(V354Sfs*15) is expected to be pathogenic in the context of mucopolysaccharidosis type IIIC. This variant is predicted to lead to an abnormal or absent protein product due to the creation of a premature termination codon in HGSNAT, a gene where loss-of-function variants are known to be pathogenic. Please note: this variant was assessed in the context of healthy population screening.

NM_152419.3(HGSNAT):c.1058_1059insT (p.Val354fs)

Gene: HGSNAT (heparan-alpha-glucosaminide N-acetyltransferase; plus strand). Cytogenetic location: 8p11.21.
Variant type: Insertion.
Coding change: c.1058_1059insT on transcript NM_152419.3 (MANE Select); coding-DNA positions 1058 to 1059, T inserted.
Protein change: p.Val354fs; shifts the reading frame from valine 354.
Molecular consequence: frameshift variant.
Genome position: GRCh38 VCF-style: chr8-43182190-G-GT. GRCh37 (hg19) VCF-style: chr8-43037333-G-GT.
Other names: c.1058_1059insT, p.Val354fs (NM_001363227.2); c.866_867insT, p.Val290fs (NM_001363228.2); c.194_195insT, p.Val66fs (NM_001363229.2); short protein forms V290fs, V354fs, V66fs.
Identifiers: ClinVar variation 1725370 (VCV001725370.2), dbSNP rs2487036515, ClinGen allele CA2580078327.
Genomic context (GRCh38, chr8:43,182,190, plus strand): 5'-TTGTGTCTTTTGCAGTGTCTTGGGACAAGGTGCGCATTCCTGGTGTGCTGCAGCGATTGG[G>GT]AGTGACATACTTTGTGGTTGCTGTGTTGGAGCTCCTCTTTGCTAAACCTGTGCCTGAACA-3'